The following is an entry in ClinVar:

NM_001370259.2(MEN1):c.824+9A>G

Gene: MEN1 (menin 1; minus strand). Cytogenetic location: 11q13.1.
Variant type: single nucleotide variant.
Coding change: c.824+9A>G on transcript NM_001370259.2 (MANE Select); 9 bases into the intron after coding-DNA position 824, A replaced by G.
Molecular consequence: intron variant.
Genome position (GRCh38, 1-based): chr11:64,807,170, T>C on the plus strand (A>G on the coding strand, the complement: MEN1 is on the minus strand). VCF-style: chr11-64807170-T-C. GRCh37 (hg19) VCF-style: chr11-64574642-T-C.
Other names: c.824+9A>G (NM_001370260.2, NM_001370251.2, NM_001370261.2 and 1 more transcripts); c.839+9A>G (NM_130801.3, NM_130800.3, NM_130802.3 and 3 more transcripts); c.719+9A>G (NM_001370263.2, NM_001370262.2).
Identifiers: ClinVar variation 710810 (VCV000710810.8), dbSNP rs774166628, ClinGen allele CA061661.

ClinVar aggregate classification (germline): Likely benign. Review status: criteria provided, multiple submitters, no conflicts (2 of 4 stars). 2 submissions from 2 submitters: Likely benign (2). Last evaluated 2025-08-25.

Conditions:
Multiple endocrine neoplasia, type 1 (MEN1). Also called: MEN I; WERMER SYNDROME; MEA I; Endocrine adenomatosis multiple; MEN 1. Identifiers: Orphanet 652, MedGen C0025267, MeSH D018761, MONDO:0007540, OMIM 131100.

Allele frequency attached by ClinVar (database versions not stated): ExAC 0.00001.

Submissions (2):

Labcorp Genetics (formerly Invitae), Labcorp
Classification: Likely benign for Multiple endocrine neoplasia, type 1. Last evaluated: 2025-08-25. Review status: criteria provided, single submitter. Criteria: Invitae Variant Classification Sherloc (09022015). Collection method: clinical testing. Allele origin: germline.

Myriad Genetics, Inc.
Classification: Likely benign for Multiple endocrine neoplasia, type 1. Last evaluated: 2024-11-01. Review status: criteria provided, single submitter. Criteria: Myriad Autosomal Dominant, Autosomal Recessive and X-Linked Classification Criteria (2023). Collection method: clinical testing. Allele origin: unknown.
Comment: This variant is considered likely benign. This variant is intronic and is not expected to impact mRNA splicing.